The following is an entry in ClinVar:

NM_000264.5(PTCH1):c.2560+8G>A

Genes: PTCH1 (patched 1; minus strand), LOC100507346 (uncharacterized LOC100507346; plus strand). Cytogenetic location: 9q22.32.
Variant type: single nucleotide variant.
Coding change: c.2560+8G>A on transcript NM_000264.5 (MANE Select); 8 bases into the intron after coding-DNA position 2560, G replaced by A.
Molecular consequence: intron variant. On other transcripts: non-coding transcript variant (1).
Genome position (GRCh38, 1-based): chr9:95,467,108, C>T on the plus strand (G>A on the coding strand, the complement: PTCH1 is on the minus strand). VCF-style: chr9-95467108-C-T. GRCh37 (hg19) VCF-style: chr9-98229390-C-T.
Other names: c.2557+8G>A (NM_001083603.3); c.2362+8G>A (NM_001083602.3); c.2404+8G>A (NM_001354918.2); c.2107+8G>A (NM_001083605.3, NM_001083604.3, NM_001083606.3 and 1 more transcripts).
Identifiers: ClinVar variation 135882 (VCV000135882.39), dbSNP rs201541845, ClinGen allele CA332504.

ClinVar aggregate classification (germline): Benign/Likely benign. Review status: criteria provided, multiple submitters, no conflicts (2 of 4 stars). 12 submissions from 11 submitters: Benign (6); Likely benign (5). 1 of the submissions does not count toward it. Last evaluated 2026-02-02.

Conditions:
Hereditary cancer-predisposing syndrome. Also called: Tumor predisposition; Hereditary neoplastic syndrome; Hereditary Cancer Syndrome; Neoplastic Syndromes, Hereditary. Identifiers: Orphanet 140162, MedGen C0027672, MeSH D009386, MONDO:0015356.
Holoprosencephaly 7 (HPE7). Identifiers: Orphanet 2162, MedGen C1835820, MONDO:0012562, OMIM 610828.
Gorlin syndrome. Also called: Basal cell nevus syndrome; Nevoid Basal Cell Carcinoma Syndrome. Identifiers: Orphanet 377, MedGen C0004779, MONDO:0007187.
PTCH1-related disorder. Also called: PTCH1-related disorders; PTCH1-related condition.

Allele frequency attached by ClinVar (database versions not stated): gnomAD 0.00049 and 0.00050; TOPMed 0.00053; ESP Exome Variant Server 0.00069; gnomAD exomes 0.00073 and 0.00115; ExAC 0.00096.
gnomAD v4.1: 1,759 of 1,613,888 alleles (0.11%); highest among the groups gnomAD compares: Non-Finnish European, 0.14%; no homozygotes.

Submissions (12):

Labcorp Genetics (formerly Invitae), Labcorp
Classification: Benign for Gorlin syndrome. Last evaluated: 2026-02-02. Review status: criteria provided, single submitter. Criteria: Invitae Variant Classification Sherloc (09022015). Collection method: clinical testing. Allele origin: germline.

Quest Diagnostics Nichols Institute San Juan Capistrano
Classification: Benign. Last evaluated: 2025-08-14. Review status: criteria provided, single submitter. Criteria: Quest Diagnostics criteria. Collection method: clinical testing. Allele origin: unknown.

CeGaT Center for Human Genetics Tuebingen
Classification: Likely benign. Last evaluated: 2025-05-01. Review status: criteria provided, single submitter. Criteria: CeGaT Center For Human Genetics Tuebingen Variant Classification Criteria Version 2. Collection method: clinical testing. Allele origin: germline. Affected: yes. Observed: 2 variant alleles.
Comment: PTCH1: BP4, BS1

Center for Genomic Medicine, Rigshospitalet, Copenhagen University Hospital
Classification: Likely benign. Last evaluated: 2025-03-04. Review status: criteria provided, single submitter. Criteria: ACMG Guidelines, 2015. Collection method: clinical testing. Allele origin: germline.

Blueprint Genetics
Classification: Likely benign. Last evaluated: 2024-11-19. Review status: criteria provided, single submitter. Criteria: ACMG Guidelines, 2015. Collection method: clinical testing. Allele origin: germline.

Department of Pathology and Laboratory Medicine, Sinai Health System
Classification: Likely benign for nevoid basal cell carcinoma syndrome. Last evaluated: 2024-06-24. Review status: criteria provided, single submitter. Criteria: ACMG Guidelines, 2015. Collection method: clinical testing. Allele origin: germline. Affected: yes.

ARUP Laboratories, Molecular Genetics and Genomics, ARUP Laboratories
Classification: Benign. Last evaluated: 2024-01-05. Review status: criteria provided, single submitter. Criteria: ARUP Molecular Germline Variant Investigation Process 2024. Collection method: clinical testing. Allele origin: germline.

Illumina Laboratory Services, Illumina
Classification: Likely benign for Holoprosencephaly 7. Last evaluated: 2018-01-13. Review status: criteria provided, single submitter. Criteria: ICSL Variant Classification Criteria 13 December 2019. Collection method: clinical testing. Allele origin: germline.
Comment: This variant was observed in the ICSL laboratory as part of a predisposition screen in an ostensibly healthy population. It had not been previously curated by ICSL or reported in the Human Gene Mutation Database (HGMD: prior to June 1st, 2018), and was therefore a candidate for classification through an automated scoring system. Utilizing variant allele frequency, disease prevalence and penetrance estimates, and inheritance mode, an automated score was calculated to assess if this variant is too frequent to cause the disease. Based on the score and internal cut-off values, a variant classified as likely benign is not then subjected to further curation. The score for this variant resulted in a classification of likely benign for this disease.

Illumina Laboratory Services, Illumina
Classification: Benign for Basal cell nevus syndrome 1. Last evaluated: 2018-01-13. Review status: criteria provided, single submitter. Criteria: ICSL Variant Classification Criteria 13 December 2019. Collection method: clinical testing. Allele origin: germline.
Comment: This variant was observed in the ICSL laboratory as part of a predisposition screen in an ostensibly healthy population. It had not been previously curated by ICSL or reported in the Human Gene Mutation Database (HGMD: prior to June 1st, 2018), and was therefore a candidate for classification through an automated scoring system. Utilizing variant allele frequency, disease prevalence and penetrance estimates, and inheritance mode, an automated score was calculated to assess if this variant is too frequent to cause the disease. Based on the score and internal cut-off values, a variant classified as benign is not then subjected to further curation. The score for this variant resulted in a classification of benign for this disease.

GeneDx
Classification: Benign. Last evaluated: 2016-05-27. Review status: criteria provided, single submitter. Criteria: GeneDx Variant Classification (06012015). Collection method: clinical testing. Allele origin: germline. Affected: yes.
Comment: This variant is considered likely benign or benign based on one or more of the following criteria: it is a conservative change, it occurs at a poorly conserved position in the protein, it is predicted to be benign by multiple in silico algorithms, and/or has population frequency not consistent with disease.

Vantari Genetics
Classification: Benign for Hereditary cancer-predisposing syndrome. Last evaluated: 2016-01-05. Review status: criteria provided, single submitter. Criteria: ACMG Guidelines, 2015. Collection method: clinical testing. Allele origin: germline.

PreventionGenetics, part of Exact Sciences
Classification: Likely benign for PTCH1-related condition. Last evaluated: 2024-05-20. Review status: no assertion criteria provided. Collection method: clinical testing. Allele origin: germline. Not counted in ClinVar's aggregate classification.
Comment: This variant is classified as likely benign based on ACMG/AMP sequence variant interpretation guidelines (Richards et al. 2015 PMID: 25741868, with internal and published modifications).